The following is an entry in ClinVar:

ClinVar aggregate classification (germline): Uncertain significance (1 of 4 stars; one submission).

Conditions:
Pseudo-Hurler polydystrophy. Also called: ML III; ML III ALPHA/BETA; MUCOLIPIDOSIS IIIA; Type III Mucolipidosis; ML IIIA; Mucolipidosis III Alpha/Beta. Identifiers: Orphanet 423461, Orphanet 577, MedGen C0033788, MONDO:0018931, OMIM 252600.
Mucolipidosis type II. Also called: ML II ALPHA/BETA; Mucolipidosis 2; ML 2; Inclusion cell disease; Leroy Disease; N-acetylglucosamine 1phosphotransferase deficiency. Identifiers: Orphanet 576, MedGen C2673377, MONDO:0009650, OMIM 252500.

Submission:

Labcorp Genetics (formerly Invitae), Labcorp
Classification: Uncertain significance for Pseudo-Hurler polydystrophy; Mucolipidosis type II. Last evaluated: 2021-08-04. Review status: criteria provided, single submitter. Criteria: Invitae Variant Classification Sherloc (09022015). Collection method: clinical testing. Allele origin: germline.
Comment: This variant results in a copy number gain of the genomic region encompassing exon(s) 1 of the GNPTAB gene. This region includes the initiator codon of the gene. The 5' end of this event is unknown as it extends beyond the assayed region for this gene and therefore may encompass additional genes. The 3' boundary is likely confined to intron 1 of the GNPTAB gene. As the precise location of this event is unknown, it may be in tandem or it may be located elsewhere in the genome. This variant has not been reported in the literature in individuals affected with GNPTAB-related conditions. Experimental studies and prediction algorithms are not available or were not evaluated, and the functional significance of this variant is currently unknown. In summary, the available evidence is currently insufficient to determine the role of this variant in disease. Therefore, it has been classified as a Variant of Uncertain Significance.

NC_000012.11:g.(?_102224327)_(102224463_?)dup

Gene: GNPTAB (N-acetylglucosamine-1-phosphate transferase subunits alpha and beta; minus strand). Cytogenetic location: 12q23.2.
Variant type: Duplication.
Identifiers: ClinVar variation 1412384 (VCV001412384.5).